The following is an entry in ClinVar:

ClinVar aggregate classification (germline): Uncertain significance. Review status: criteria provided, multiple submitters, no conflicts (2 of 4 stars). 2 submissions from 2 submitters: Uncertain significance (2). Last evaluated 2023-11-02.

Conditions:
Combined oxidative phosphorylation deficiency 44. Also called: FASTKD2-Related Combined Oxidative Phosphorylation Deficiency. Identifiers: MedGen C5394293, MONDO:0030020, OMIM 618855.

Allele frequency attached by ClinVar (database versions not stated): gnomAD exomes 0.00001.
gnomAD v4.1: 17 of 1,588,738 alleles (0.0011%); highest among the groups gnomAD compares: East Asian, 0.0022%; no homozygotes.

Submissions (2):

Labcorp Genetics (formerly Invitae), Labcorp
Classification: Uncertain significance. Last evaluated: 2023-11-02. Review status: criteria provided, single submitter. Criteria: Invitae Variant Classification Sherloc (09022015). Collection method: clinical testing. Allele origin: germline.
Comment: This sequence change replaces arginine, which is basic and polar, with histidine, which is basic and polar, at codon 261 of the FASTKD2 protein (p.Arg261His). This variant is present in population databases (no rsID available, gnomAD 0.006%). This variant has not been reported in the literature in individuals affected with FASTKD2-related conditions. ClinVar contains an entry for this variant (Variation ID: 1497819). Advanced modeling of protein sequence and biophysical properties (such as structural, functional, and spatial information, amino acid conservation, physicochemical variation, residue mobility, and thermodynamic stability) performed at Invitae indicates that this missense variant is expected to disrupt FASTKD2 protein function with a positive predictive value of 80%. In summary, the available evidence is currently insufficient to determine the role of this variant in disease. Therefore, it has been classified as a Variant of Uncertain Significance.

Fulgent Genetics
Classification: Uncertain significance for Combined oxidative phosphorylation deficiency 44. Last evaluated: 2022-03-30. Review status: criteria provided, single submitter. Criteria: ACMG Guidelines, 2015. Collection method: clinical testing. Allele origin: unknown.

NM_001136193.2(FASTKD2):c.782G>A (p.Arg261His)

Genes: FASTKD2 (FAST kinase domains 2; plus strand), LOC126806484 (CDK7 strongly-dependent group 2 enhancer GRCh37_chr2:207634423-207635622; plus strand). Cytogenetic location: 2q33.3.
Variant type: single nucleotide variant.
Coding change: c.782G>A on transcript NM_001136193.2 (MANE Select); coding-DNA position 782, G replaced by A.
Protein change: p.Arg261His; replaces arginine 261 with histidine.
Molecular consequence: missense variant.
Genome position (GRCh38, 1-based): chr2:206,770,095, G>A. VCF-style: chr2-206770095-G-A. GRCh37 (hg19) VCF-style: chr2-207634819-G-A.
Other names: c.782G>A, p.Arg261His (NM_001136194.2, NM_014929.4); short protein forms R261H.
Identifiers: ClinVar variation 1497819 (VCV001497819.9), dbSNP rs918461594, ClinGen allele CA63712635.